The following is an entry in ClinVar:

ClinVar aggregate classification (germline): Uncertain significance (1 of 4 stars; one submission).

Conditions:
Tuberous sclerosis 2 (TSC2). Identifiers: Orphanet 805, MedGen C1860707, MONDO:0013199, OMIM 613254.

Submission:

Labcorp Genetics (formerly Invitae), Labcorp
Classification: Uncertain significance for Tuberous sclerosis 2. Last evaluated: 2022-09-29. Review status: criteria provided, single submitter. Criteria: Invitae Variant Classification Sherloc (09022015). Collection method: clinical testing. Allele origin: germline.
Comment: In summary, the available evidence is currently insufficient to determine the role of this variant in disease. Therefore, it has been classified as a Variant of Uncertain Significance. Algorithms developed to predict the effect of sequence changes on RNA splicing suggest that this variant may create or strengthen a splice site. This variant has not been reported in the literature in individuals affected with TSC2-related conditions. This variant is not present in population databases (gnomAD no frequency). This sequence change falls in intron 21 of the TSC2 gene. It does not directly change the encoded amino acid sequence of the TSC2 protein.

NM_000548.5(TSC2):c.2356-12T>G

Gene: TSC2 (TSC complex subunit 2; plus strand). Cytogenetic location: 16p13.3.
Variant type: single nucleotide variant.
Coding change: c.2356-12T>G on transcript NM_000548.5 (MANE Select); 12 bases into the intron before coding-DNA position 2356, T replaced by G.
Molecular consequence: intron variant.
Genome position (GRCh38, 1-based): chr16:2,074,188, T>G. VCF-style: chr16-2074188-T-G. GRCh37 (hg19) VCF-style: chr16-2124189-T-G.
Other names: c.2356-12T>G (NM_001114382.3, NM_021055.3, NM_001370405.1 and 3 more transcripts); c.2245-12T>G (NM_001318827.2); c.1756-12T>G (NM_001318831.2); c.2209-12T>G (NM_001318829.2); c.2389-12T>G (NM_001318832.2).
Identifiers: ClinVar variation 2033297 (VCV002033297.4), dbSNP rs1388493955, ClinGen allele CA2580090833.